The following is an entry in ClinVar:

ClinVar aggregate classification (germline): Likely pathogenic (1 of 4 stars; one submission).

Allele frequency attached by ClinVar (database versions not stated): gnomAD 0.00001.
gnomAD v4.1: 1 of 1,613,866 alleles (0.000062%); highest among the groups gnomAD compares: African/African-American, 0.0013%; no homozygotes.

Submission:

Labcorp Genetics (formerly Invitae), Labcorp
Classification: Likely pathogenic. Last evaluated: 2021-11-30. Review status: criteria provided, single submitter. Criteria: Invitae Variant Classification Sherloc (09022015). Collection method: clinical testing. Allele origin: germline.
Comment: This variant has not been reported in the literature in individuals affected with HOGA1-related conditions. In summary, the currently available evidence indicates that the variant is pathogenic, but additional data are needed to prove that conclusively. Therefore, this variant has been classified as Likely Pathogenic. Algorithms developed to predict the effect of sequence changes on RNA splicing suggest that this variant may disrupt the consensus splice site. This variant is not present in population databases (gnomAD no frequency). This sequence change affects an acceptor splice site in intron 3 of the HOGA1 gene. It is expected to disrupt RNA splicing. Variants that disrupt the donor or acceptor splice site typically lead to a loss of protein function (PMID: 16199547), and loss-of-function variants in HOGA1 are known to be pathogenic (PMID: 22391140, 22781098).

Literature cited by the submitters: PubMed 16199547; PubMed 22391140; PubMed 22781098.

NM_138413.4(HOGA1):c.469-2A>G

Gene: HOGA1 (4-hydroxy-2-oxoglutarate aldolase 1; plus strand). Cytogenetic location: 10q24.2.
Variant type: single nucleotide variant.
Coding change: c.469-2A>G on transcript NM_138413.4 (MANE Select); the canonical splice acceptor site of the intron before coding-DNA position 469, A replaced by G.
Molecular consequence: splice acceptor variant. On other transcripts: intron variant (1).
Genome position (GRCh38, 1-based): chr10:97,599,678, A>G. VCF-style: chr10-97599678-A-G. GRCh37 (hg19) VCF-style: chr10-99359435-A-G.
Other names: c.212-2179A>G (NM_001134670.2).
Identifiers: ClinVar variation 2133979 (VCV002133979.4), dbSNP rs1589908300, ClinGen allele CA377977725.